The following is an entry in ClinVar:

ClinVar aggregate classification (germline): Conflicting classifications of pathogenicity. Review status: criteria provided, conflicting classifications (1 of 4 stars). 4 submissions from 4 submitters: Uncertain significance (3); Likely benign (1). Last evaluated 2025-10-14.

Conditions:
Myofibrillar myopathy 5. Also called: Filaminopathy (type); FILAMINOPATHY, AUTOSOMAL DOMINANT. Identifiers: Orphanet 171445, MedGen C1836050, MONDO:0012289, OMIM 609524.
Distal myopathy with posterior leg and anterior hand involvement. Also called: WILLIAMS DISTAL MYOPATHY. Identifiers: Orphanet 63273, MedGen C3279722, MONDO:0013550, OMIM 614065.
Hypertrophic cardiomyopathy 26. Also called: Cardiomyopathy, familial hypertrophic, 26. Identifiers: Orphanet 75249, MedGen C4310749, MONDO:0014883, OMIM 617047.
Cardiovascular phenotype. Identifiers: MedGen CN230736.

Allele frequency attached by ClinVar (database versions not stated): gnomAD exomes below 0.00001; ExAC 0.00001.
gnomAD v4.1: 6 of 1,614,082 alleles (0.00037%); highest among the groups gnomAD compares: Non-Finnish European, 0.00042%; no homozygotes.

Submissions (4):

Ambry Genetics
Classification: Uncertain significance for Cardiovascular phenotype. Last evaluated: 2025-10-14. Review status: criteria provided, single submitter. Criteria: Ambry Variant Classification Scheme 2023. Collection method: clinical testing. Allele origin: germline.
Comment: The p.P1604L variant (also known as c.4811C>T), located in coding exon 28 of the FLNC gene, results from a C to T substitution at nucleotide position 4811. The proline at codon 1604 is replaced by leucine, an amino acid with similar properties. This variant was detected in a cardiomyopathy/arrhythmia genetic testing cohort; however, clinical details were limited, and additional cardiac variants were detected in some cases (van Lint FHM et al. Neth Heart J, 2019 Jun;27:304-309). This amino acid position is highly conserved in available vertebrate species. In addition, this alteration is predicted to be deleterious by in silico analysis. Based on the available evidence, the clinical significance of this variant remains unclear.

GeneDx
Classification: Uncertain significance. Last evaluated: 2025-06-03. Review status: criteria provided, single submitter. Criteria: GeneDx Variant Classification Process June 2021. Collection method: clinical testing. Allele origin: germline. Affected: yes.
Comment: Not observed at significant frequency in large population cohorts (gnomAD); In silico analysis supports that this missense variant has a deleterious effect on protein structure/function; Has not been previously published as pathogenic or benign to our knowledge

Labcorp Genetics (formerly Invitae), Labcorp
Classification: Uncertain significance for Distal myopathy with posterior leg and anterior hand involvement; Myofibrillar myopathy 5; Hypertrophic cardiomyopathy 26. Last evaluated: 2025-04-13. Review status: criteria provided, single submitter. Criteria: Invitae Variant Classification Sherloc (09022015). Collection method: clinical testing. Allele origin: germline.
Comment: This sequence change replaces proline, which is neutral and non-polar, with leucine, which is neutral and non-polar, at codon 1604 of the FLNC protein (p.Pro1604Leu). The frequency data for this variant in the population databases is considered unreliable, as metrics indicate poor data quality at this position in the gnomAD database. This variant has not been reported in the literature in individuals affected with FLNC-related conditions. ClinVar contains an entry for this variant (Variation ID: 964302). Invitae Evidence Modeling of protein sequence and biophysical properties (such as structural, functional, and spatial information, amino acid conservation, physicochemical variation, residue mobility, and thermodynamic stability) has been performed for this missense variant. However, the output from this modeling did not meet the statistical confidence thresholds required to predict the impact of this variant on FLNC protein function. In summary, the available evidence is currently insufficient to determine the role of this variant in disease. Therefore, it has been classified as a Variant of Uncertain Significance.

Genomic Medicine Center of Excellence, King Faisal Specialist Hospital and Research Centre
Classification: Likely benign for Hypertrophic cardiomyopathy 26. Last evaluated: 2024-03-26. Review status: criteria provided, single submitter. Criteria: ACMG Guidelines, 2015. Collection method: clinical testing. Allele origin: germline.

Literature cited by the submitters: PubMed 30847666 (cited by Ambry Genetics).

NM_001458.5(FLNC):c.4811C>T (p.Pro1604Leu)

Gene: FLNC (filamin C; plus strand). Cytogenetic location: 7q32.1.
Variant type: single nucleotide variant.
Coding change: c.4811C>T on transcript NM_001458.5 (MANE Select); coding-DNA position 4811, C replaced by T.
Protein change: p.Pro1604Leu; replaces proline 1604 with leucine.
Molecular consequence: missense variant.
Genome position (GRCh38, 1-based): chr7:128,848,866, C>T. VCF-style: chr7-128848866-C-T. GRCh37 (hg19) VCF-style: chr7-128488920-C-T.
Other names: c.4811C>T, p.Pro1604Leu (NM_001127487.2); short protein forms P1604L.
Identifiers: ClinVar variation 964302 (VCV000964302.11), dbSNP rs778021239, ClinGen allele CA4475463.